The following is an entry in ClinVar:

NM_032578.4(MYPN):c.2133G>A (p.Lys711=)

Gene: MYPN (myopalladin; plus strand). Cytogenetic location: 10q21.3.
Variant type: single nucleotide variant.
Coding change: c.2133G>A on transcript NM_032578.4 (MANE Select); coding-DNA position 2133, G replaced by A.
Protein change: p.Lys711=; no amino-acid change (lysine 711 retained).
Molecular consequence: synonymous variant. On other transcripts: non-coding transcript variant (2).
Genome position (GRCh38, 1-based): chr10:68,174,225, G>A. VCF-style: chr10-68174225-G-A. GRCh37 (hg19) VCF-style: chr10-69933982-G-A.
Other names: c.2133G>A, p.Lys711= (NM_001256267.2); c.1251G>A, p.Lys417= (NM_001256268.2); c.2133G>A (NM_032578.3).
Identifiers: ClinVar variation 1146391 (VCV001146391.13), dbSNP rs370032844, ClinGen allele CA5522733.
Genomic context (GRCh38, chr10:68,174,225, plus strand): 5'-CATGACTGTTTTGAACTCCAATGCTCCCCCAGCGGTGACAACATCCAGTAAGCAGGTGAA[G>A]GCTCCTTCATCACAGACGTTCAGCTTGGCCCGGCCGAAGTATTTCTTCCCCTCCACGAAC-3'
Protein context (NP_115967.2, residues 701-721): PAVTTSSKQV[Lys711=]APSSQTFSLA

ClinVar aggregate classification (germline): Likely benign. Review status: criteria provided, multiple submitters, no conflicts (2 of 4 stars). 3 submissions from 3 submitters: Likely benign (3). Last evaluated 2026-09-09.

Conditions:
MYPN-related disorder. Also called: MYPN-related condition.
Cardiovascular phenotype. Identifiers: MedGen CN230736.
Dilated cardiomyopathy 1KK (CMD1KK). Identifiers: Orphanet 154, Orphanet 75249, MedGen C3714995, MONDO:0014100, OMIM 615248.

Allele frequency attached by ClinVar (database versions not stated): gnomAD exomes below 0.00001 and 0.00001; ExAC 0.00002; gnomAD 0.00004; TOPMed 0.00005; ESP Exome Variant Server 0.00015.
gnomAD v4.1: 11 of 1,613,922 alleles (0.00068%); highest among the groups gnomAD compares: African/African-American, 0.013%; no homozygotes.

Submissions (3):

PreventionGenetics, part of Exact Sciences
Classification: Likely benign for MYPN-related condition. Last evaluated: 2026-09-09. Review status: criteria provided, single submitter. Criteria: ACMG Guidelines, 2015. Collection method: clinical testing. Allele origin: germline.
Comment: This variant is classified as likely benign based on ACMG/AMP sequence variant interpretation guidelines (Richards et al. 2015 PMID: 25741868, with internal and published modifications).

Labcorp Genetics (formerly Invitae), Labcorp
Classification: Likely benign for Dilated cardiomyopathy 1KK. Last evaluated: 2025-10-10. Review status: criteria provided, single submitter. Criteria: Invitae Variant Classification Sherloc (09022015). Collection method: clinical testing. Allele origin: germline.

Ambry Genetics
Classification: Likely benign for Cardiovascular phenotype. Last evaluated: 2020-10-26. Review status: criteria provided, single submitter. Criteria: Ambry Variant Classification Scheme 2023. Collection method: clinical testing. Allele origin: germline.